The following is an entry in ClinVar:

ClinVar aggregate classification (germline): Uncertain significance. Review status: criteria provided, multiple submitters, no conflicts (2 of 4 stars). 2 submissions from 2 submitters: Uncertain significance (2). Last evaluated 2025-12-07.

Conditions:
Hereditary spastic paraplegia 39 (SPG39). Also called: Spastic Paraplegia Type 39 (SPG39); SPASTIC PARAPLEGIA 39, AUTOSOMAL RECESSIVE. Identifiers: Orphanet 139480, MedGen C2677586, MONDO:0012787, OMIM 612020.
PNPLA6-related disorder. Also called: PNPLA6-related condition; PNPLA6-related disorders.

Submissions (2):

3billion
Classification: Uncertain significance for PNPLA6-related disorder. Last evaluated: 2025-12-07. Review status: criteria provided, single submitter. Criteria: ACMG Guidelines, 2015. Collection method: clinical testing. Allele origin: germline. Affected: yes.
Comment: The variant is not observed in the gnomAD v4.1.0 dataset. Predicted Consequence/Location: Missense variant In silico tool predictions suggest damaging effect of the variant on gene or gene product [REVEL: 0.64 (>=0.6, sensitivity 0.68 and specificity 0.92)]. The variant has been reported as of uncertain significance (ClinVar ID: VCV001333223). Different missense changes at the same codon have been reported as of uncertain significance (ClinVar ID: VCV003216073, VCV004057207). Therefore, this variant is classified as VUS according to the recommendation of ACMG/AMP guideline.

Labcorp Genetics (formerly Invitae), Labcorp
Classification: Uncertain significance for Hereditary spastic paraplegia 39. Last evaluated: 2022-04-04. Review status: criteria provided, single submitter. Criteria: Invitae Variant Classification Sherloc (09022015). Collection method: clinical testing. Allele origin: germline.
Comment: In summary, the available evidence is currently insufficient to determine the role of this variant in disease. Therefore, it has been classified as a Variant of Uncertain Significance. Algorithms developed to predict the effect of missense changes on protein structure and function are either unavailable or do not agree on the potential impact of this missense change (SIFT: "Deleterious"; PolyPhen-2: "Possibly Damaging"; Align-GVGD: "Class C0"). This sequence change replaces alanine, which is neutral and non-polar, with glycine, which is neutral and non-polar, at codon 239 of the PNPLA6 protein (p.Ala239Gly). ClinVar contains an entry for this variant (Variation ID: 1333223). This variant has not been reported in the literature in individuals affected with PNPLA6-related conditions. This variant is not present in population databases (gnomAD no frequency).

NM_001166114.2(PNPLA6):c.833C>G (p.Ala278Gly)

Gene: PNPLA6 (patatin like domain 6, lysophospholipase; plus strand). Cytogenetic location: 19p13.2.
Variant type: single nucleotide variant.
Coding change: c.833C>G on transcript NM_001166114.2 (MANE Select); coding-DNA position 833, C replaced by G.
Protein change: p.Ala278Gly; replaces alanine 278 with glycine.
Molecular consequence: missense variant.
Genome position (GRCh38, 1-based): chr19:7,540,960, C>G. VCF-style: chr19-7540960-C-G. GRCh37 (hg19) VCF-style: chr19-7605846-C-G.
Other names: c.860C>G, p.Ala287Gly (NM_001166111.2); c.716C>G, p.Ala239Gly (NM_001166112.2, NM_001166113.1, NM_006702.5); short protein forms A239G, A278G, A287G.
Identifiers: ClinVar variation 1333223 (VCV001333223.7), dbSNP rs1433313104, ClinGen allele CA403106235.